The following is an entry in ClinVar:

NM_001165963.4(SCN1A):c.4821del (p.Phe1607fs)

Genes: SCN1A (sodium voltage-gated channel alpha subunit 1; minus strand), LOC102724058 (uncharacterized LOC102724058; plus strand). Cytogenetic location: 2q24.3.
Variant type: Deletion.
Coding change: c.4821del on transcript NM_001165963.4 (MANE Select); coding-DNA position 4821, one base deleted (T; older notation c.4821delT).
Protein change: p.Phe1607fs; shifts the reading frame from phenylalanine 1607.
Molecular consequence: frameshift variant. On other transcripts: non-coding transcript variant (1).
Genome position (GRCh38, 1-based): chr2:165,994,177, A deleted on the plus strand (T on the coding strand, the reverse complement: SCN1A is on the minus strand); the first of 5 consecutive A bases (chr2:165,994,177-165,994,181); deleting any one gives the same sequence. VCF-style (leftmost placement, unchanged base first): chr2-165994176-CA-C. GRCh37 (hg19) VCF-style: chr2-166850686-CA-C.
Other names: c.4737del, p.Phe1579fs (NM_001165964.3, NM_001353957.2, NM_001353958.2); c.4821del, p.Phe1607fs (NM_001202435.3, NM_001353948.2); c.4788del, p.Phe1596fs (NM_001353949.2, NM_001353950.2, NM_001353951.2 and 2 more transcripts); c.4785del, p.Phe1595fs (NM_001353954.2, NM_001353955.2); c.4734del, p.Phe1578fs (NM_001353960.2); c.2379del, p.Phe793fs (NM_001353961.2); short protein forms F1607fs, F1596fs, F793fs, F1578fs, F1579fs, F1595fs.
Identifiers: ClinVar variation 206921 (VCV000206921.1), dbSNP rs796053083, ClinGen allele CA317739.

ClinVar aggregate classification (germline): Pathogenic (1 of 4 stars; one submission).

Submission:

GeneDx
Classification: Pathogenic. Last evaluated: 2013-01-30. Review status: criteria provided, single submitter. Criteria: GeneDx Variant Classification (06012015). Collection method: clinical testing. Allele origin: germline. Affected: yes.
Comment: c.4821delT: p.Phe1607LeufsX11 (F1607LfsX11) in exon 25 of the SCN1A gene (NM_001165963.1). The normal sequence with the bases that are deleted in braces is: TATTTT{T}GATTTTG. The c.4821delT mutation in the SCN1A gene causes a frameshift starting with codon Phenylalanine 1607, changes this amino acid to a Leucine residue and creates a Stop codon at position 11 of the new reading frame, denoted p.Phe1607LeufsX11. This mutation is predicted to cause loss of normal protein function through protein truncation. Although this mutation has not been previously reported to our knowledge, many other frameshift mutations have been reported in the SCN1A gene in association with epilepsy. Therefore, the presence of c.4821delT is consistent with a diagnosis of an SCN1A-related disorder. The variant is found in EPILEPSY panel(s).